The following is an entry in ClinVar:

ClinVar aggregate classification (germline): Uncertain significance (1 of 4 stars; one submission).

gnomAD v4.1: 56 of 1,614,106 alleles (0.0035%); highest among the groups gnomAD compares: Middle Eastern, 0.017%; 1 homozygote.

Submission:

Labcorp Genetics (formerly Invitae), Labcorp
Classification: Uncertain significance. Last evaluated: 2024-08-31. Review status: criteria provided, single submitter. Criteria: Invitae Variant Classification Sherloc (09022015). Collection method: clinical testing. Allele origin: germline.
Comment: This sequence change replaces alanine, which is neutral and non-polar, with threonine, which is neutral and polar, at codon 1040 of the ABCC8 protein (p.Ala1040Thr). This variant is present in population databases (rs765856087, gnomAD 0.003%). This variant has not been reported in the literature in individuals affected with ABCC8-related conditions. Invitae Evidence Modeling of protein sequence and biophysical properties (such as structural, functional, and spatial information, amino acid conservation, physicochemical variation, residue mobility, and thermodynamic stability) indicates that this missense variant is not expected to disrupt ABCC8 protein function with a negative predictive value of 95%. In summary, the available evidence is currently insufficient to determine the role of this variant in disease. Therefore, it has been classified as a Variant of Uncertain Significance.

NM_000352.6(ABCC8):c.3118G>A (p.Ala1040Thr)

Gene: ABCC8 (ATP binding cassette subfamily C member 8; minus strand). Cytogenetic location: 11p15.1.
Variant type: single nucleotide variant.
Coding change: c.3118G>A on transcript NM_000352.6 (MANE Select); coding-DNA position 3118, G replaced by A.
Protein change: p.Ala1040Thr; replaces alanine 1040 with threonine.
Molecular consequence: missense variant. On other transcripts: non-coding transcript variant (1).
Genome position (GRCh38, 1-based): chr11:17,406,932, C>T on the plus strand (G>A on the coding strand, the complement: ABCC8 is on the minus strand). VCF-style: chr11-17406932-C-T. GRCh37 (hg19) VCF-style: chr11-17428479-C-T.
Other names: c.3121G>A, p.Ala1041Thr (NM_001287174.3); c.3184G>A, p.Ala1062Thr (NM_001351295.2); c.3118G>A, p.Ala1040Thr (NM_001351296.2); c.3115G>A, p.Ala1039Thr (NM_001351297.2); short protein forms A1040T, A1062T, A1041T, A1039T.
Identifiers: ClinVar variation 3708166 (VCV003708166.1).